The following is an entry in ClinVar:

ClinVar aggregate classification (germline): Likely benign (1 of 4 stars; one submission).

Submission:

CeGaT Center for Human Genetics Tuebingen
Classification: Likely benign. Last evaluated: 2024-04-01. Review status: criteria provided, single submitter. Criteria: CeGaT Center For Human Genetics Tuebingen Variant Classification Criteria Version 2. Collection method: clinical testing. Allele origin: germline. Affected: yes. Observed: 1 variant allele.
Comment: F11: PM2:Supporting, BP4, BP7

NM_000128.4(F11):c.45A>C (p.Ser15=)

Gene: F11 (coagulation factor XI; plus strand). Cytogenetic location: 4q35.2.
Variant type: single nucleotide variant.
Coding change: c.45A>C on transcript NM_000128.4 (MANE Select); coding-DNA position 45, A replaced by C.
Protein change: p.Ser15=; no amino-acid change (serine 15 retained).
Molecular consequence: synonymous variant.
Genome position (GRCh38, 1-based): chr4:186,267,181, A>C. VCF-style: chr4-186267181-A-C. GRCh37 (hg19) VCF-style: chr4-187188335-A-C.
Other names: c.45A>C, p.Ser15= (NM_001354804.2).
Identifiers: ClinVar variation 3234695 (VCV003234695.20), dbSNP rs759936044, ClinGen allele CA442644027.
Genomic context (GRCh38, chr4:186,267,181, plus strand): 5'-TTTTTCTCATTGTAGGATGATTTTCTTATATCAAGTGGTACATTTCATTTTATTTACTTC[A>C]GTTTCTGGTGGTAAGTAGAGTGTTATCTTAACTATGGGCTGGGAGAGGGAAATCACACTG-3'
Protein context (NP_000119.1, residues 5-25): YQVVHFILFT[Ser15=]VSGECVTQLL